The following is an entry in ClinVar:

ClinVar aggregate classification (germline): Uncertain significance (1 of 4 stars; one submission).

Conditions:
Congenital disorder of deglycosylation (CDDG). Identifiers: MedGen C3808991, MONDO:0031376.

gnomAD v4.1: 2 of 1,613,934 alleles (0.00012%); highest among the groups gnomAD compares: Non-Finnish European, 0.00017%; no homozygotes.

Submission:

Labcorp Genetics (formerly Invitae), Labcorp
Classification: Uncertain significance for Congenital disorder of deglycosylation. Last evaluated: 2021-08-13. Review status: criteria provided, single submitter. Criteria: Invitae Variant Classification Sherloc (09022015). Collection method: clinical testing. Allele origin: germline.
Comment: This sequence change replaces threonine with alanine at codon 578 of the NGLY1 protein (p.Thr578Ala). The threonine residue is weakly conserved and there is a small physicochemical difference between threonine and alanine. This variant is not present in population databases (ExAC no frequency). This variant has not been reported in the literature in individuals affected with NGLY1-related conditions. Algorithms developed to predict the effect of missense changes on protein structure and function (SIFT, PolyPhen-2, Align-GVGD) all suggest that this variant is likely to be tolerated. In summary, the available evidence is currently insufficient to determine the role of this variant in disease. Therefore, it has been classified as a Variant of Uncertain Significance.

NM_018297.4(NGLY1):c.1732A>G (p.Thr578Ala)

Gene: NGLY1 (N-glycanase 1; minus strand). Cytogenetic location: 3p24.2.
Variant type: single nucleotide variant.
Coding change: c.1732A>G on transcript NM_018297.4 (MANE Select); coding-DNA position 1732, A replaced by G.
Protein change: p.Thr578Ala; replaces threonine 578 with alanine.
Molecular consequence: missense variant. On other transcripts: intron variant (1).
Genome position (GRCh38, 1-based): chr3:25,720,071, T>C on the plus strand (A>G on the coding strand, the complement: NGLY1 is on the minus strand). VCF-style: chr3-25720071-T-C. GRCh37 (hg19) VCF-style: chr3-25761562-T-C.
Other names: c.1678A>G, p.Thr560Ala (NM_001145293.2); c.1606A>G, p.Thr536Ala (NM_001145294.2); c.1612-436A>G (NM_001145295.2); short protein forms T578A, T536A, T560A.
Identifiers: ClinVar variation 642397 (VCV000642397.3), dbSNP rs780662676, ClinGen allele CA351894018.
Genomic context (GRCh38, chr3:25,720,071, plus strand): 5'-TACCGCCTGTCAGTTCTACTTGTGCTGTATCAGATCGCAATTTCCATTCTACTGTTCCAG[T>C]CTGAAAAGTTTGACTACTTGTTCTAATAGAAATGCTATCTACTTTTAGGCCAACTGACCC-3'
Protein context (NP_060767.2, residues 568-588): SIRTSSQTFQ[Thr578Ala]GTVEWKLRSD